The following is an entry in ClinVar:

ClinVar aggregate classification (germline): Uncertain significance (1 of 4 stars; one submission).

Allele frequency attached by ClinVar (database versions not stated): TOPMed below 0.00001; gnomAD 0.00001; ExAC 0.00002.

Submission:

Labcorp Genetics (formerly Invitae), Labcorp
Classification: Uncertain significance. Last evaluated: 2023-11-06. Review status: criteria provided, single submitter. Criteria: Invitae Variant Classification Sherloc (09022015). Collection method: clinical testing. Allele origin: germline.
Comment: This sequence change replaces cysteine, which is neutral and slightly polar, with tyrosine, which is neutral and polar, at codon 140 of the KCTD1 protein (p.Cys140Tyr). This variant is present in population databases (rs778860582, gnomAD 0.002%). This variant has not been reported in the literature in individuals affected with KCTD1-related conditions. Advanced modeling of protein sequence and biophysical properties (such as structural, functional, and spatial information, amino acid conservation, physicochemical variation, residue mobility, and thermodynamic stability) performed at Invitae indicates that this missense variant is not expected to disrupt KCTD1 protein function with a negative predictive value of 80%. In summary, the available evidence is currently insufficient to determine the role of this variant in disease. Therefore, it has been classified as a Variant of Uncertain Significance.

NM_001142730.3(KCTD1):c.2243G>A (p.Cys748Tyr)

Gene: KCTD1 (potassium channel tetramerization domain containing 1; minus strand). Cytogenetic location: 18q11.2.
Variant type: single nucleotide variant.
Coding change: c.2243G>A on transcript NM_001142730.3 (MANE Select); coding-DNA position 2243, G replaced by A.
Protein change: p.Cys748Tyr; replaces cysteine 748 with tyrosine.
Molecular consequence: missense variant.
Genome position (GRCh38, 1-based): chr18:26,459,816, C>T on the plus strand (G>A on the coding strand, the complement: KCTD1 is on the minus strand). VCF-style: chr18-26459816-C-T. GRCh37 (hg19) VCF-style: chr18-24039780-C-T.
Other names: c.419G>A, p.Cys140Tyr (NM_001136205.2, NM_001258221.2, NM_001351443.1 and 1 more transcripts); c.443G>A, p.Cys148Tyr (NM_001258222.3); short protein forms C140Y, C748Y, C148Y.
Identifiers: ClinVar variation 2869587 (VCV002869587.3), dbSNP rs778860582, ClinGen allele CA8922282.